The following is an entry in ClinVar:

NM_006440.5(TXNRD2):c.662+63T>C

Gene: TXNRD2 (thioredoxin reductase 2; minus strand). Cytogenetic location: 22q11.21.
Variant type: single nucleotide variant.
Coding change: c.662+63T>C on transcript NM_006440.5 (MANE Select); 63 bases into the intron after coding-DNA position 662, T replaced by C.
Molecular consequence: intron variant.
Genome position (GRCh38, 1-based): chr22:19,911,314, A>G on the plus strand (T>C on the coding strand, the complement: TXNRD2 is on the minus strand). VCF-style: chr22-19911314-A-G. GRCh37 (hg19) VCF-style: chr22-19898837-A-G.
Other names: c.659+63T>C (NM_001352300.2); c.374+63T>C (NM_001352302.2); c.572+63T>C (NM_001352301.2); c.662+63T>C (NM_001282512.3); c.566+63T>C (NM_001352303.2).
Identifiers: ClinVar variation 678039 (VCV000678039.2), dbSNP rs885987, ClinGen allele CA14920358.

ClinVar aggregate classification (germline): Benign. Review status: criteria provided, multiple submitters, no conflicts (2 of 4 stars). 2 submissions from 2 submitters: Benign (2). Last evaluated 2018-06-14.

Allele frequency attached by ClinVar (database versions not stated): gnomAD exomes 0.59531; ESP Exome Variant Server 0.62878; gnomAD 0.65001 and 0.65530; TOPMed 0.66702; 1000 Genomes Project 30x 0.75031; 1000 Genomes Project 0.75120.
gnomAD v4.1: 790,431 of 1,310,984 alleles (60%); highest among the groups gnomAD compares: East Asian, 91%; 244,987 homozygotes.

Submissions (2):

GeneDx
Classification: Benign. Last evaluated: 2018-06-14. Review status: criteria provided, single submitter. Criteria: GeneDx Variant Classification (06012015). Collection method: clinical testing. Allele origin: germline. Affected: yes.
Comment: This variant is considered likely benign or benign based on one or more of the following criteria: it is a conservative change, it occurs at a poorly conserved position in the protein, it is predicted to be benign by multiple in silico algorithms, and/or has population frequency not consistent with disease.

Breakthrough Genomics
Classification: Benign. Review status: criteria provided, single submitter. Criteria: ACMG Guidelines, 2015. Collection method: not provided. Allele origin: germline. Inheritance: Autosomal recessive inheritance. Affected: yes.